The following is an entry in ClinVar:

ClinVar aggregate classification (germline): Uncertain significance (1 of 4 stars; one submission).

Conditions:
Schuurs-Hoeijmakers syndrome. Also called: PACS1-Related Neurodevelopmental Disorder. Identifiers: Orphanet 329224, MedGen C3554343, MONDO:0014006, OMIM 615009.

Submission:

Labcorp Genetics (formerly Invitae), Labcorp
Classification: Uncertain significance for Schuurs-Hoeijmakers syndrome. Last evaluated: 2022-03-26. Review status: criteria provided, single submitter. Criteria: Invitae Variant Classification Sherloc (09022015). Collection method: clinical testing. Allele origin: germline.
Comment: In summary, the available evidence is currently insufficient to determine the role of this variant in disease. Therefore, it has been classified as a Variant of Uncertain Significance. This variant has not been reported in the literature in individuals affected with PACS1-related conditions. This variant is not present in population databases (gnomAD no frequency). This sequence change creates a premature translational stop signal (p.Tyr549Profs*23) in the PACS1 gene. It is expected to result in an absent or disrupted protein product. However, the current clinical and genetic evidence is not sufficient to establish whether loss-of-function variants in PACS1 cause disease.

NM_018026.4(PACS1):c.1644_1648del (p.Tyr549fs)

Gene: PACS1 (phosphofurin acidic cluster sorting protein 1; plus strand). Cytogenetic location: 11q13.2.
Variant type: Deletion.
Coding change: c.1644_1648del on transcript NM_018026.4 (MANE Select); coding-DNA positions 1644 to 1648, 5 bases deleted (GTATG; older notation c.1644_1648delGTATG).
Protein change: p.Tyr549fs; shifts the reading frame from tyrosine 549.
Molecular consequence: frameshift variant.
Genome position (GRCh38, 1-based): chr11:66,232,189-66,232,193, GTATG deleted. VCF-style (leftmost placement, unchanged base first): chr11-66232188-TGTATG-T. GRCh37 (hg19) VCF-style: chr11-65999659-TGTATG-T.
Other names: short protein forms Y549fs.
Identifiers: ClinVar variation 2117700 (VCV002117700.4), dbSNP rs2495584693, ClinGen allele CA2580084606.